The following is an entry in ClinVar:

ClinVar aggregate classification (germline): Likely pathogenic. Review status: criteria provided, single submitter (1 of 4 stars). 3 submissions from 3 submitters: Likely pathogenic (1). 2 of the submissions do not count toward it. Last evaluated 2020-12-30.

Conditions:
Epidermolysis bullosa simplex 1C, localized. Also called: EBS, ACRAL FORM; EPIDERMOLYSIS BULLOSA OF HANDS AND FEET; Localized epidermolysis bullosa simplex; Epidermolysis Bullosa Simplex, Weber-Cockayne Type; Weber-Cockayne Syndrome. Identifiers: Orphanet 79400, MedGen C0080333, MONDO:0007551, OMIM 131800.

Submissions (3):

GeneDx
Classification: Likely pathogenic. Last evaluated: 2020-12-30. Review status: criteria provided, single submitter. Criteria: GeneDx Variant Classification Process June 2021. Collection method: clinical testing. Allele origin: germline. Affected: yes.
Comment: In-frame deletion of 1 amino acids in a non-repeat region; Not observed in large population cohorts (Lek et al., 2016); In silico analysis supports a deleterious effect on protein structure/function; This variant is associated with the following publications: (PMID: 33274474, 7506606, 10733662, 16786515, 28561874)

OMIM
Classification: Pathogenic for EPIDERMOLYSIS BULLOSA SIMPLEX 1C, LOCALIZED. Last evaluated: 1993-11-01. Review status: no assertion criteria provided. Collection method: literature only. Allele origin: germline. Not counted in ClinVar's aggregate classification.

Epithelial Biology;  Institute of Medical Biology, Singapore
No classification provided. Review status: no classification provided. Collection method: not provided. Allele origin: not provided. Not counted in ClinVar's aggregate classification.

Literature cited by the submitters: PubMed 7506606 (cited by OMIM).

NM_000526.5(KRT14):c.1123_1125del (p.Glu375del)

Gene: KRT14 (keratin 14; minus strand). Cytogenetic location: 17q21.2.
Variant type: Deletion.
Coding change: c.1123_1125del on transcript NM_000526.5 (MANE Select); coding-DNA positions 1123 to 1125, 3 bases deleted (GAG; older notation c.1123_1125delGAG).
Protein change: p.Glu375del; deletes glutamic acid 375.
Molecular consequence: inframe deletion.
Genome position (GRCh38, 1-based): chr17:41,583,384-41,583,386, CTC deleted on the plus strand (GAG on the coding strand, the reverse complement: KRT14 is on the minus strand); deleting any 3 consecutive bases within chr17:41,583,384-41,583,388 gives the same sequence; the c. name uses the placement nearest the transcript's 3' end. VCF-style (leftmost placement, unchanged base first): chr17-41583383-TCTC-T. GRCh37 (hg19) VCF-style: chr17-39739635-TCTC-T.
Other names: short protein forms E375del.
Identifiers: ClinVar variation 66301 (VCV000066301.4), dbSNP rs56974573, ClinGen allele CA216819.